The following is an entry in ClinVar:

NM_006767.4(LZTR1):c.963G>A (p.Trp321Ter)

Gene: LZTR1 (leucine zipper like post translational regulator 1; plus strand). Cytogenetic location: 22q11.21.
Variant type: single nucleotide variant.
Coding change: c.963G>A on transcript NM_006767.4 (MANE Select); coding-DNA position 963, G replaced by A.
Protein change: p.Trp321Ter; replaces tryptophan 321 with a stop codon.
Molecular consequence: nonsense.
Genome position (GRCh38, 1-based): chr22:20,991,799, G>A. VCF-style: chr22-20991799-G-A. GRCh37 (hg19) VCF-style: chr22-21346088-G-A.
Other names: short protein forms W321*.
Identifiers: ClinVar variation 1767641 (VCV001767641.7), dbSNP rs1453114200, ClinGen allele CA410781572.

ClinVar aggregate classification (germline): Pathogenic. Review status: criteria provided, multiple submitters, no conflicts (2 of 4 stars). 2 submissions from 2 submitters: Pathogenic (2). Last evaluated 2025-10-25.

Conditions:
Cardiovascular phenotype. Identifiers: MedGen CN230736.
Hereditary cancer-predisposing syndrome. Also called: Hereditary Cancer Syndrome; Hereditary neoplastic syndrome; Neoplastic Syndromes, Hereditary; Tumor predisposition. Identifiers: Orphanet 140162, MedGen C0027672, MeSH D009386, MONDO:0015356.

Allele frequency attached by ClinVar (database versions not stated): TOPMed below 0.00001.
gnomAD v4.1: 3 of 1,551,618 alleles (0.00019%); highest among the groups gnomAD compares: Admixed American, 0.002%; no homozygotes.

Submissions (2):

Labcorp Genetics (formerly Invitae), Labcorp
Classification: Pathogenic. Last evaluated: 2025-10-25. Review status: criteria provided, single submitter. Criteria: Invitae Variant Classification Sherloc (09022015). Collection method: clinical testing. Allele origin: germline.
Comment: This sequence change creates a premature translational stop signal (p.Trp321*) in the LZTR1 gene. It is expected to result in an absent or disrupted protein product. Loss-of-function variants in LZTR1 are known to be pathogenic (PMID: 24362817, 25335493, 25480913, 25795793, 29469822, 30368668, 30442762, 30442766, 30481304, 30859559). This variant is not present in population databases (gnomAD no frequency). This variant has not been reported in the literature in individuals affected with LZTR1-related conditions. ClinVar contains an entry for this variant (Variation ID: 1767641). For these reasons, this variant has been classified as Pathogenic.

Ambry Genetics
Classification: Pathogenic for Cardiovascular phenotype; Hereditary cancer-predisposing syndrome. Last evaluated: 2021-04-04. Review status: criteria provided, single submitter. Criteria: Ambry Variant Classification Scheme 2023. Collection method: clinical testing. Allele origin: germline.
Comment: The p.W321* pathogenic mutation (also known as c.963G>A), located in coding exon 9 of the LZTR1 gene, results from a G to A substitution at nucleotide position 963. This changes the amino acid from a tryptophan to a stop codon within coding exon 9. This alteration is expected to result in loss of function by premature protein truncation or nonsense-mediated mRNA decay. Based on the supporting evidence, this variant is pathogenic for an increased risk of nerve sheath tumors and would be expected to cause autosomal recessive Noonan syndrome when present along with a second pathogenic or likely pathogenic variant on the other allele.

Literature cited by the submitters: PubMed 24362817 (cited by Labcorp Genetics (formerly Invitae), Labcorp); PubMed 25335493 (cited by Labcorp Genetics (formerly Invitae), Labcorp); PubMed 25480913 (cited by Labcorp Genetics (formerly Invitae), Labcorp); PubMed 25795793 (cited by Labcorp Genetics (formerly Invitae), Labcorp); PubMed 29469822 (cited by Labcorp Genetics (formerly Invitae), Labcorp); PubMed 30368668 (cited by Labcorp Genetics (formerly Invitae), Labcorp); PubMed 30442762 (cited by Labcorp Genetics (formerly Invitae), Labcorp); PubMed 30442766 (cited by Labcorp Genetics (formerly Invitae), Labcorp); PubMed 30481304 (cited by Labcorp Genetics (formerly Invitae), Labcorp); PubMed 30859559 (cited by Labcorp Genetics (formerly Invitae), Labcorp).